The following is an entry in ClinVar:

NM_015202.5(KATNIP):c.4847G>A (p.Arg1616Gln)

Gene: KATNIP (katanin interacting protein; plus strand). Cytogenetic location: 16p12.1.
Variant type: single nucleotide variant.
Coding change: c.4847G>A on transcript NM_015202.5 (MANE Select); coding-DNA position 4847, G replaced by A.
Protein change: p.Arg1616Gln; replaces arginine 1616 with glutamine.
Molecular consequence: missense variant.
Genome position (GRCh38, 1-based): chr16:27,778,619, G>A. VCF-style: chr16-27778619-G-A. GRCh37 (hg19) VCF-style: chr16-27789940-G-A.
Other names: c.4847G>A (NM_015202.2); short protein forms R1616Q.
Identifiers: ClinVar variation 1899942 (VCV001899942.6), dbSNP rs1317952177, ClinGen allele CA395333687.

ClinVar aggregate classification (germline): Uncertain significance. Review status: criteria provided, multiple submitters, no conflicts (2 of 4 stars). 2 submissions from 2 submitters: Uncertain significance (2). Last evaluated 2024-06-10.

Allele frequency attached by ClinVar (database versions not stated): gnomAD 0.00001; gnomAD exomes 0.00001; TOPMed 0.00001.
gnomAD v4.1: 17 of 1,613,618 alleles (0.0011%); highest among the groups gnomAD compares: East Asian, 0.0022%; no homozygotes.

Submissions (2):

Ambry Genetics
Classification: Uncertain significance. Last evaluated: 2024-06-10. Review status: criteria provided, single submitter. Criteria: Ambry Variant Classification Scheme 2023. Collection method: clinical testing. Allele origin: germline.

Labcorp Genetics (formerly Invitae), Labcorp
Classification: Uncertain significance. Last evaluated: 2022-06-10. Review status: criteria provided, single submitter. Criteria: Invitae Variant Classification Sherloc (09022015). Collection method: clinical testing. Allele origin: germline.
Comment: Algorithms developed to predict the effect of missense changes on protein structure and function (SIFT, PolyPhen-2, Align-GVGD) all suggest that this variant is likely to be tolerated. In summary, the available evidence is currently insufficient to determine the role of this variant in disease. Therefore, it has been classified as a Variant of Uncertain Significance. This variant has not been reported in the literature in individuals affected with KIAA0556-related conditions. This variant is present in population databases (no rsID available, gnomAD 0.003%). This sequence change replaces arginine, which is basic and polar, with glutamine, which is neutral and polar, at codon 1616 of the KIAA0556 protein (p.Arg1616Gln).